The following is an entry in ClinVar:

NM_001999.4(FBN2):c.2069T>C (p.Val690Ala)

Gene: FBN2 (fibrillin 2; minus strand). Cytogenetic location: 5q23.3.
Variant type: single nucleotide variant.
Coding change: c.2069T>C on transcript NM_001999.4 (MANE Select); coding-DNA position 2069, T replaced by C.
Protein change: p.Val690Ala; replaces valine 690 with alanine.
Molecular consequence: missense variant.
Genome position (GRCh38, 1-based): chr5:128,374,654, A>G on the plus strand (T>C on the coding strand, the complement: FBN2 is on the minus strand). VCF-style: chr5-128374654-A-G. GRCh37 (hg19) VCF-style: chr5-127710347-A-G.
Other names: short protein forms V690A.
Identifiers: ClinVar variation 2632309 (VCV002632309.1), dbSNP rs2479377148, ClinGen allele CA360740202.

ClinVar aggregate classification (germline): Uncertain significance (1 of 4 stars; one submission).

Conditions:
FBN2-related disorder. Also called: FBN2-related condition.

Submission:

PreventionGenetics, part of Exact Sciences
Classification: Uncertain significance for FBN2-related condition. Last evaluated: 2023-06-10. Review status: criteria provided, single submitter. Criteria: ACMG Guidelines, 2015. Collection method: clinical testing. Allele origin: germline.
Comment: The FBN2 c.2069T>C variant is predicted to result in the amino acid substitution p.Val690Ala. To our knowledge, this variant has not been reported in the literature or in a large population database, indicating this variant is rare. At this time, the clinical significance of this variant is uncertain due to the absence of conclusive functional and genetic evidence.